The following is an entry in ClinVar:

ClinVar aggregate classification (germline): Likely pathogenic (1 of 4 stars; one submission).

Conditions:
D-2-hydroxyglutaric aciduria 1 (D2HGA1). Identifiers: Orphanet 79315, MedGen C3152055, MONDO:0024554, OMIM 600721.

Allele frequency attached by ClinVar (database versions not stated): gnomAD exomes below 0.00001.
gnomAD v4.1: 1 of 1,612,474 alleles (0.000062%); highest among the groups gnomAD compares: Non-Finnish European, 0.000085%; no homozygotes.

Submission:

Labcorp Genetics (formerly Invitae), Labcorp
Classification: Likely pathogenic for D-2-hydroxyglutaric aciduria 1. Last evaluated: 2026-01-12. Review status: criteria provided, single submitter. Criteria: Invitae Variant Classification Sherloc (09022015). Collection method: clinical testing. Allele origin: germline.
Comment: This sequence change replaces leucine, which is neutral and non-polar, with proline, which is neutral and non-polar, at codon 457 of the D2HGDH protein (p.Leu457Pro). This variant is not present in population databases (gnomAD no frequency). This missense change has been observed in individual(s) with clinical features of D2HGDH-related conditions (internal data). In at least one individual the data is consistent with being in trans (on the opposite chromosome) from a pathogenic variant. ClinVar contains an entry for this variant (Variation ID: 649282). Invitae Evidence Modeling of protein sequence and biophysical properties (such as structural, functional, and spatial information, amino acid conservation, physicochemical variation, residue mobility, and thermodynamic stability) indicates that this missense variant is expected to disrupt D2HGDH protein function with a positive predictive value of 95%. In summary, the currently available evidence indicates that the variant is pathogenic, but additional data are needed to prove that conclusively. Therefore, this variant has been classified as Likely Pathogenic.

NM_152783.5(D2HGDH):c.1370T>C (p.Leu457Pro)

Gene: D2HGDH (D-2-hydroxyglutarate dehydrogenase; plus strand). Cytogenetic location: 2q37.3.
Variant type: single nucleotide variant.
Coding change: c.1370T>C on transcript NM_152783.5 (MANE Select); coding-DNA position 1370, T replaced by C.
Protein change: p.Leu457Pro; replaces leucine 457 with proline.
Molecular consequence: missense variant. On other transcripts: non-coding transcript variant (1).
Genome position (GRCh38, 1-based): chr2:241,767,773, T>C. VCF-style: chr2-241767773-T-C. GRCh37 (hg19) VCF-style: chr2-242707188-T-C.
Other names: c.968T>C, p.Leu323Pro (NM_001287249.2); c.809T>C, p.Leu270Pro (NM_001352824.2); short protein forms L270P, L323P, L457P.
Identifiers: ClinVar variation 649282 (VCV000649282.8), dbSNP rs1575352566, ClinGen allele CA351413082.